The following is an entry in ClinVar:

ClinVar aggregate classification (germline): Conflicting classifications of pathogenicity. Review status: criteria provided, conflicting classifications (1 of 4 stars). 4 submissions from 4 submitters: Uncertain significance (1); Likely benign (3). Last evaluated 2025-12-01.

Conditions:
Developmental and epileptic encephalopathy, 12 (DEE12). Identifiers: MedGen C3150988, MONDO:0013389, OMIM 613722.
Microcephaly, seizures, and developmental delay. Identifiers: Orphanet 1934, MedGen C3150667, MONDO:0013254, OMIM 613402.

Allele frequency attached by ClinVar (database versions not stated): gnomAD 0.00004; TOPMed 0.00004; gnomAD exomes 0.00007 and 0.00014; ExAC 0.00008.
gnomAD v4.1: 210 of 1,578,364 alleles (0.013%); highest among the groups gnomAD compares: Non-Finnish European, 0.016%; no homozygotes.

Submissions (4):

Women's Health and Genetics/Laboratory Corporation of America, LabCorp
Classification: Likely benign. Last evaluated: 2025-12-01. Review status: criteria provided, single submitter. Criteria: LabCorp Variant Classification Summary - May 2015. Collection method: clinical testing. Allele origin: germline.

Labcorp Genetics (formerly Invitae), Labcorp
Classification: Likely benign for Developmental and epileptic encephalopathy, 12. Last evaluated: 2025-06-22. Review status: criteria provided, single submitter. Criteria: Invitae Variant Classification Sherloc (09022015). Collection method: clinical testing. Allele origin: germline.

Illumina Laboratory Services, Illumina
Classification: Uncertain significance for Microcephaly, seizures, and developmental delay. Last evaluated: 2017-04-28. Review status: criteria provided, single submitter. Criteria: ICSL Variant Classification Criteria 13 December 2019. Collection method: clinical testing. Allele origin: germline.

GeneDx
Classification: Likely benign. Last evaluated: 2016-03-08. Review status: criteria provided, single submitter. Criteria: GeneDx Variant Classification (06012015). Collection method: clinical testing. Allele origin: germline. Affected: yes.
Comment: This variant is considered likely benign or benign based on one or more of the following criteria: it is a conservative change, it occurs at a poorly conserved position in the protein, it is predicted to be benign by multiple in silico algorithms, and/or has population frequency not consistent with disease.

NM_007254.4(PNKP):c.199-15C>T

Gene: PNKP (polynucleotide kinase 3'-phosphatase; minus strand). Cytogenetic location: 19q13.33.
Variant type: single nucleotide variant.
Coding change: c.199-15C>T on transcript NM_007254.4 (MANE Select); 15 bases into the intron before coding-DNA position 199, C replaced by T.
Molecular consequence: intron variant.
Genome position (GRCh38, 1-based): chr19:49,865,441, G>A on the plus strand (C>T on the coding strand, the complement: PNKP is on the minus strand). VCF-style: chr19-49865441-G-A. GRCh37 (hg19) VCF-style: chr19-50368698-G-A.
Identifiers: ClinVar variation 384389 (VCV000384389.10), dbSNP rs201254691, ClinGen allele CA9586999.